The following is an entry in ClinVar:

ClinVar aggregate classification (germline): Uncertain significance (1 of 4 stars; one submission).

Allele frequency attached by ClinVar (database versions not stated): ExAC 0.00001; gnomAD exomes 0.00001.
gnomAD v4.1: 3 of 1,613,688 alleles (0.00019%); highest among the groups gnomAD compares: Middle Eastern, 0.017%; no homozygotes.

Submission:

Labcorp Genetics (formerly Invitae), Labcorp
Classification: Uncertain significance. Last evaluated: 2025-11-24. Review status: criteria provided, single submitter. Criteria: Invitae Variant Classification Sherloc (09022015). Collection method: clinical testing. Allele origin: germline.
Comment: This sequence change replaces valine, which is neutral and non-polar, with methionine, which is neutral and non-polar, at codon 510 of the MAP3K20 protein (p.Val510Met). This variant is present in population databases (rs761667073, gnomAD 0.006%). This variant has not been reported in the literature in individuals affected with MAP3K20-related conditions. ClinVar contains an entry for this variant (Variation ID: 1954383). Invitae Evidence Modeling of protein sequence and biophysical properties (such as structural, functional, and spatial information, amino acid conservation, physicochemical variation, residue mobility, and thermodynamic stability) indicates that this missense variant is not expected to disrupt MAP3K20 protein function with a negative predictive value of 95%. In summary, the available evidence is currently insufficient to determine the role of this variant in disease. Therefore, it has been classified as a Variant of Uncertain Significance.

NM_016653.3(MAP3K20):c.1528G>A (p.Val510Met)

Genes: MAP3K20 (mitogen-activated protein kinase kinase kinase 20; plus strand), MAP3K20-AS1 (MAP3K20 antisense RNA 1; minus strand). Cytogenetic location: 2q31.1.
Variant type: single nucleotide variant.
Coding change: c.1528G>A on transcript NM_016653.3 (MANE Select); coding-DNA position 1528, G replaced by A.
Protein change: p.Val510Met; replaces valine 510 with methionine.
Molecular consequence: missense variant.
Genome position (GRCh38, 1-based): chr2:173,261,114, G>A. VCF-style: chr2-173261114-G-A. GRCh37 (hg19) VCF-style: chr2-174125842-G-A.
Other names: short protein forms V510M.
Identifiers: ClinVar variation 1954383 (VCV001954383.5), dbSNP rs761667073, ClinGen allele CA1970883.